The following is an entry in ClinVar:

ClinVar aggregate classification (germline): Uncertain significance (1 of 4 stars; one submission).

Allele frequency attached by ClinVar (database versions not stated): gnomAD exomes below 0.00001.
gnomAD v4.1: 1 of 1,611,448 alleles (0.000062%); highest among the groups gnomAD compares: Non-Finnish European, 0.000085%; no homozygotes.

Submission:

Labcorp Genetics (formerly Invitae), Labcorp
Classification: Uncertain significance. Last evaluated: 2022-08-16. Review status: criteria provided, single submitter. Criteria: Invitae Variant Classification Sherloc (09022015). Collection method: clinical testing. Allele origin: germline.
Comment: In summary, the available evidence is currently insufficient to determine the role of this variant in disease. Therefore, it has been classified as a Variant of Uncertain Significance. This variant has not been reported in the literature in individuals affected with PCYT1A-related conditions. This variant is not present in population databases (gnomAD no frequency). This sequence change creates a premature translational stop signal (p.Ser260*) in the PCYT1A gene. It is expected to result in an absent or disrupted protein product. However, the current clinical and genetic evidence is not sufficient to establish whether loss-of-function variants in PCYT1A cause disease.

NM_001312673.2(PCYT1A):c.779C>G (p.Ser260Ter)

Gene: PCYT1A (phosphate cytidylyltransferase 1A, choline; minus strand). Cytogenetic location: 3q29.
Variant type: single nucleotide variant.
Coding change: c.779C>G on transcript NM_001312673.2 (MANE Select); coding-DNA position 779, C replaced by G.
Protein change: p.Ser260Ter; replaces serine 260 with a stop codon.
Molecular consequence: nonsense.
Genome position (GRCh38, 1-based): chr3:196,239,665, G>C on the plus strand (C>G on the coding strand, the complement: PCYT1A is on the minus strand). VCF-style: chr3-196239665-G-C. GRCh37 (hg19) VCF-style: chr3-195966536-G-C.
Other names: c.779C>G, p.Ser260Ter (NM_005017.4); short protein forms S260*.
Identifiers: ClinVar variation 1944223 (VCV001944223.5), dbSNP rs2474016810, ClinGen allele CA355608891.